The following is an entry in ClinVar:

ClinVar aggregate classification (germline): Uncertain significance. Review status: criteria provided, multiple submitters, no conflicts (2 of 4 stars). 4 submissions from 4 submitters: Uncertain significance (4). Last evaluated 2025-06-10.

Conditions:
Cardiovascular phenotype. Identifiers: MedGen CN230736.
Arrhythmogenic right ventricular cardiomyopathy (ARVD). Also called: Arrhythmogenic cardiomyopathy; Arrhythmogenic Right Ventricular Cardiomyopathy (ARVC); Cardiomyopathy, ARVC; Arrhythmogenic right ventricular dysplasia. Identifiers: Orphanet 247, MedGen C0349788, MeSH D019571, MONDO:0016587. Disease mechanism: loss of function. Inheritance: Various modes of inheritance.
Cardiomyopathy (CMYO). Also called: Cardiomyopathies. Identifiers: Orphanet 167848, MedGen C0878544, MONDO:0004994, HP:0001638. Inheritance: Various modes of inheritance.
Arrhythmogenic right ventricular dysplasia 10. Also called: Arrhythmogenic right ventricular dysplasia/cardiomyopathy, type 10; Arrhythmogenic Right Ventricular Dysplasia/Cardiomyopathy10; ARRHYTHMOGENIC RIGHT VENTRICULAR DYSPLASIA, FAMILIAL, 10. Identifiers: MedGen C1857777, MONDO:0012434, OMIM 610193.

Allele frequency attached by ClinVar (database versions not stated): gnomAD exomes below 0.00001 and 0.00001; TOPMed below 0.00001; ExAC 0.00001; gnomAD 0.00001.
gnomAD v4.1: 4 of 1,614,040 alleles (0.00025%); highest among the groups gnomAD compares: African/African-American, 0.0013%; no homozygotes.

Submissions (4):

Labcorp Genetics (formerly Invitae), Labcorp
Classification: Uncertain significance for Arrhythmogenic right ventricular dysplasia 10. Last evaluated: 2025-06-10. Review status: criteria provided, single submitter. Criteria: Invitae Variant Classification Sherloc (09022015). Collection method: clinical testing. Allele origin: germline.
Comment: This sequence change replaces glutamic acid, which is acidic and polar, with glutamine, which is neutral and polar, at codon 872 of the DSG2 protein (p.Glu872Gln). This variant is present in population databases (rs754057911, gnomAD 0.002%). This variant has not been reported in the literature in individuals affected with DSG2-related conditions. ClinVar contains an entry for this variant (Variation ID: 519349). Invitae Evidence Modeling of protein sequence and biophysical properties (such as structural, functional, and spatial information, amino acid conservation, physicochemical variation, residue mobility, and thermodynamic stability) indicates that this missense variant is not expected to disrupt DSG2 protein function with a negative predictive value of 95%. In summary, the available evidence is currently insufficient to determine the role of this variant in disease. Therefore, it has been classified as a Variant of Uncertain Significance.

All of Us Research Program, National Institutes of Health
Classification: Uncertain significance for Arrhythmogenic right ventricular cardiomyopathy. Last evaluated: 2024-08-06. Review status: criteria provided, single submitter. Criteria: ACMG Guidelines, 2015. Collection method: clinical testing. Allele origin: germline. Inheritance: Autosomal dominant inheritance. Observed: 2 variant alleles, 2 heterozygotes.
Comment: This missense variant replaces glutamic acid with glutamine at codon 872 of the DSG2 protein. Computational prediction suggests that this variant may not impact protein structure and function (internally defined REVEL score threshold <= 0.5, PMID: 27666373). To our knowledge, functional studies have not been reported for this variant. This variant has not been reported in individuals affected with DSG2-related disorders in the literature. This variant has been identified in 2/248450 chromosomes in the general population by the Genome Aggregation Database (gnomAD). The available evidence is insufficient to determine the role of this variant in disease conclusively. Therefore, this variant is classified as a Variant of Uncertain Significance.

This study involves interpretation of variants in research participants for the purpose of population health screening. Participant phenotype was not available at the time of variant classification. Additional details can be found in publication PMID: 35346344, PMCID: PMC8962531

Color Diagnostics, LLC DBA Color Health
Classification: Uncertain significance for Cardiomyopathy. Last evaluated: 2023-12-04. Review status: criteria provided, single submitter. Criteria: ACMG Guidelines, 2015. Collection method: clinical testing. Allele origin: germline.
Comment: This missense variant replaces glutamic acid with glutamine at codon 872 of the DSG2 protein. Computational prediction suggests that this variant may not impact protein structure and function (internally defined REVEL score threshold <= 0.5, PMID: 27666373). To our knowledge, functional studies have not been reported for this variant. This variant has not been reported in individuals affected with DSG2-related disorders in the literature. This variant has been identified in 2/248450 chromosomes in the general population by the Genome Aggregation Database (gnomAD). The available evidence is insufficient to determine the role of this variant in disease conclusively. Therefore, this variant is classified as a Variant of Uncertain Significance.

Ambry Genetics
Classification: Uncertain significance for Cardiovascular phenotype. Last evaluated: 2016-11-03. Review status: criteria provided, single submitter. Criteria: Ambry Variant Classification Scheme 2023. Collection method: clinical testing. Allele origin: germline.
Comment: The p.E872Q variant (also known as c.2614G>C), located in coding exon 15 of the DSG2 gene, results from a G to C substitution at nucleotide position 2614. The glutamic acid at codon 872 is replaced by glutamine, an amino acid with highly similar properties. This variant was not reported in population based cohorts in the following databases: Database of Single Nucleotide Polymorphisms (dbSNP), NHLBI Exome Sequencing Project (ESP), and 1000 Genomes Project. In the ESP, this variant was not observed in 5954 samples (11908 alleles) with coverage at this position. Based on data from ExAC, the C allele has an overall frequency of less than 0.01% (1/119976). This amino acid position is well conserved in available vertebrate species. In addition, this alteration is predicted to be tolerated by in silico analysis. Since supporting evidence is limited at this time, the clinical significance of this alteration remains unclear.

NM_001943.5(DSG2):c.2614G>C (p.Glu872Gln)

Genes: DSG2 (desmoglein 2; plus strand), DSG2-AS1 (DSG2 antisense RNA 1; minus strand). Cytogenetic location: 18q12.1.
Variant type: single nucleotide variant.
Coding change: c.2614G>C on transcript NM_001943.5 (MANE Select); coding-DNA position 2614, G replaced by C.
Protein change: p.Glu872Gln; replaces glutamic acid 872 with glutamine.
Molecular consequence: missense variant.
Genome position (GRCh38, 1-based): chr18:31,546,000, G>C. VCF-style: chr18-31546000-G-C. GRCh37 (hg19) VCF-style: chr18-29125963-G-C.
Other names: c.2614G>C (LRG_397t1); short protein forms E872Q.
Identifiers: ClinVar variation 519349 (VCV000519349.18), dbSNP rs754057911, ClinGen allele CA046590.